The following is an entry in ClinVar:

ClinVar aggregate classification (germline): Pathogenic. Review status: reviewed by expert panel (3 of 4 stars). 5 submissions from 5 submitters: Pathogenic (1). 4 of the submissions do not count toward it. Last evaluated 2016-09-08.

Conditions:
Hereditary cancer-predisposing syndrome. Also called: Tumor predisposition; Neoplastic Syndromes, Hereditary; Hereditary Cancer Syndrome; Hereditary neoplastic syndrome. Identifiers: Orphanet 140162, MedGen C0027672, MeSH D009386, MONDO:0015356.
Hereditary breast ovarian cancer syndrome. Also called: Hereditary breast and ovarian cancer syndrome (HBOC); Hereditary breast and ovarian cancer syndrome; Hereditary breast and ovarian cancer; Hereditary breast and/or ovarian cancer syndrome; Breast and ovarian cancer; BRCA1- and BRCA2-Associated Hereditary Breast and Ovarian Cancer. Identifiers: Orphanet 145, MedGen C0677776, MeSH D061325, MONDO:0003582. Disease mechanism: loss of function.
Breast-ovarian cancer, familial, susceptibility to, 1 (BROVCA1). Also called: OVARIAN CANCER, SUSCEPTIBILITY TO; BRCA1 Hereditary Breast and Ovarian Cancer. Identifiers: Orphanet 145, MedGen C2676676, MONDO:0011450, OMIM 604370. Disease mechanism: loss of function.

Submissions (5):

Evidence-based Network for the Interpretation of Germline Mutant Alleles (ENIGMA)
Classification: Pathogenic for Breast-ovarian cancer, familial, susceptibility to, 1. Last evaluated: 2016-09-08. Review status: reviewed by expert panel. Criteria: ENIGMA BRCA1/2 Classification Criteria (2015). Collection method: curation. Allele origin: germline.
Comment: Variant allele predicted to encode a truncated non-functional protein.

Ambry Genetics
Classification: Pathogenic for Hereditary cancer-predisposing syndrome. Last evaluated: 2017-09-19. Review status: criteria provided, single submitter. Criteria: Ambry Variant Classification Scheme 2023. Collection method: clinical testing. Allele origin: germline. Not counted in ClinVar's aggregate classification.
Comment: The c.3362delA pathogenic mutation, located in coding exon 9 of the BRCA1 gene, results from a deletion of one nucleotide at nucleotide position 3362, causing a translational frameshift with a predicted alternate stop codon. This alteration is expected to result in loss of function by premature protein truncation or nonsense-mediated mRNA decay. As such, this alteration is interpreted as a disease-causing mutation.

Consortium of Investigators of Modifiers of BRCA1/2 (CIMBA), c/o University of Cambridge
Classification: Pathogenic for Breast-ovarian cancer, familial, susceptibility to, 1. Last evaluated: 2015-10-02. Review status: criteria provided, single submitter. Criteria: CIMBA Mutation Classification guidelines May 2016. Collection method: clinical testing. Allele origin: germline. Not counted in ClinVar's aggregate classification.

Research Molecular Genetics Laboratory, Women's College Hospital, University of Toronto
Classification: Pathogenic for Hereditary breast ovarian cancer syndrome. Last evaluated: 2014-01-31. Review status: no assertion criteria provided. Collection method: research. Allele origin: germline. Affected: yes. Study: The Canadian Open Genetics Repository (COGR). Not counted in ClinVar's aggregate classification.

Breast Cancer Information Core (BIC) (BRCA1)
Classification: Pathogenic for Breast-ovarian cancer, familial 1. Last evaluated: 2004-02-20. Review status: no assertion criteria provided. Collection method: clinical testing. Allele origin: germline. Affected: yes. Observed: 1 variant allele. Not counted in ClinVar's aggregate classification.

NM_007294.4(BRCA1):c.3362del (p.Asn1121fs)

Genes: BRCA1 (BRCA1 DNA repair associated; minus strand), LOC126862571 (BRD4-independent group 4 enhancer GRCh37_chr17:41243136-41244335; plus strand). Cytogenetic location: 17q21.31.
Variant type: Deletion.
Coding change: c.3362del on transcript NM_007294.4 (MANE Select); coding-DNA position 3362, one base deleted (A; older notation c.3362delA).
Protein change: p.Asn1121fs; shifts the reading frame from asparagine 1121.
Molecular consequence: frameshift variant. On other transcripts: intron variant (137).
Genome position (GRCh38, 1-based): chr17:43,092,169, T deleted on the plus strand (A on the coding strand, the reverse complement: BRCA1 is on the minus strand); the first of 2 consecutive T bases (chr17:43,092,169-43,092,170); deleting either gives the same sequence. VCF-style (leftmost placement, unchanged base first): chr17-43092168-AT-A. GRCh37 (hg19) VCF-style: chr17-41244185-AT-A.
Other names: 3481delA; c.3362delA (NM_007294.3); c.3152del, p.Asn1051fs (NM_001407885.1, NM_001407886.1, NM_001407887.1 and 13 more transcripts); c.3149del, p.Asn1050fs (NM_001407894.1, NM_001407895.1, NM_001407896.1 and 9 more transcripts); c.3239del, p.Asn1080fs (NM_001407919.1, NM_001407937.1, NM_001407938.1 and 19 more transcripts); c.3098del, p.Asn1033fs (NM_001407920.1, NM_001407921.1, NM_001407922.1 and 9 more transcripts); c.3095del, p.Asn1032fs (NM_001407930.1, NM_001407931.1, NM_001407932.1 and 2 more transcripts); c.3236del, p.Asn1079fs (NM_001407940.1, NM_001407941.1, NM_001407649.1 and 11 more transcripts); and 43 more; short protein forms N1074fs, N1121fs, N1050fs, N1073fs, N1079fs, N1120fs, N953fs, N1032fs.
Identifiers: ClinVar variation 54858 (VCV000054858.6), dbSNP rs80357865, ClinGen allele CA002183.
Genomic context (GRCh38, chr17:43,092,168, plus strand): 5'-ATGACTACTTCCCATAGGCTGTTCTAAGTTATCTGAAATCAGATATGGAGAGAAATCTGT[AT>A]TAACAGTCTGAACTACTTCTTCATATTCTTGCTTTTTTATTTCAGGATGCTTACAATTAC-3'